The following is an entry in ClinVar:

NM_015346.4(ZFYVE26):c.4674+2T>C

Gene: ZFYVE26 (zinc finger FYVE-type containing 26; minus strand). Cytogenetic location: 14q24.1.
Variant type: single nucleotide variant.
Coding change: c.4674+2T>C on transcript NM_015346.4 (MANE Select); the canonical splice donor site of the intron after coding-DNA position 4674, T replaced by C.
Molecular consequence: splice donor variant.
Genome position (GRCh38, 1-based): chr14:67,780,239, A>G on the plus strand (T>C on the coding strand, the complement: ZFYVE26 is on the minus strand). VCF-style: chr14-67780239-A-G. GRCh37 (hg19) VCF-style: chr14-68246956-A-G.
Identifiers: ClinVar variation 1997954 (VCV001997954.4), dbSNP rs2039462341, ClinGen allele CA390169274.

ClinVar aggregate classification (germline): Likely pathogenic (1 of 4 stars; one submission).

Conditions:
Spastic paraplegia. Identifiers: MedGen C0037772, HP:0001258.

gnomAD v4.1: 1 of 1,613,526 alleles (0.000062%); no homozygotes.

Submission:

Labcorp Genetics (formerly Invitae), Labcorp
Classification: Likely pathogenic for Spastic paraplegia. Last evaluated: 2022-07-30. Review status: criteria provided, single submitter. Criteria: Invitae Variant Classification Sherloc (09022015). Collection method: clinical testing. Allele origin: germline.
Comment: This variant is not present in population databases (gnomAD no frequency). This variant has not been reported in the literature in individuals affected with ZFYVE26-related conditions. Algorithms developed to predict the effect of sequence changes on RNA splicing suggest that this variant may disrupt the consensus splice site. In summary, the currently available evidence indicates that the variant is pathogenic, but additional data are needed to prove that conclusively. Therefore, this variant has been classified as Likely Pathogenic. This sequence change affects a donor splice site in intron 23 of the ZFYVE26 gene. It is expected to disrupt RNA splicing. Variants that disrupt the donor or acceptor splice site typically lead to a loss of protein function (PMID: 16199547), and loss-of-function variants in ZFYVE26 are known to be pathogenic (PMID: 18394578, 19805727).

Literature cited by the submitters: PubMed 16199547; PubMed 18394578; PubMed 19805727.